The following is an entry in ClinVar:

ClinVar aggregate classification (germline): Likely benign. Review status: criteria provided, multiple submitters, no conflicts (2 of 4 stars). 5 submissions from 5 submitters: Likely benign (5). Last evaluated 2023-11-02.

Conditions:
Familial thoracic aortic aneurysm and aortic dissection (TAAD). Also called: Thoracic aortic aneurysms and dissections. Identifiers: Orphanet 91387, MedGen C4707243, MONDO:0019625.
Aortic aneurysm, familial thoracic 4 (AAT4). Also called: AORTIC ANEURYSM/AORTIC DISSECTION AND PATENT DUCTUS ARTERIOSUS. Identifiers: MedGen C1851504, MONDO:0007568, OMIM 132900.

Allele frequency attached by ClinVar (database versions not stated): TOPMed 0.00003.
gnomAD v4.1: 22 of 1,614,026 alleles (0.0014%); highest among the groups gnomAD compares: East Asian, 0.0022%; no homozygotes.

Submissions (5):

All of Us Research Program, National Institutes of Health
Classification: Likely benign for Familial thoracic aortic aneurysm and aortic dissection. Last evaluated: 2023-11-02. Review status: criteria provided, single submitter. Criteria: ACMG Guidelines, 2015. Collection method: clinical testing. Allele origin: germline. Inheritance: Autosomal dominant inheritance. Observed: 5 variant alleles, 5 heterozygotes.
Comment: This study involves interpretation of variants in research participants for the purpose of population health screening. Participant phenotype was not available at the time of variant classification. Additional details can be found in publication PMID: 35346344, PMCID: PMC8962531

Ambry Genetics
Classification: Likely benign for Familial thoracic aortic aneurysm and aortic dissection. Last evaluated: 2021-09-26. Review status: criteria provided, single submitter. Criteria: Ambry Variant Classification Scheme 2023. Collection method: clinical testing. Allele origin: germline.

Blueprint Genetics
Classification: Likely benign. Last evaluated: 2021-03-17. Review status: criteria provided, single submitter. Criteria: ACMG Guidelines, 2015. Collection method: clinical testing. Allele origin: germline.

Labcorp Genetics (formerly Invitae), Labcorp
Classification: Likely benign for Aortic aneurysm, familial thoracic 4. Last evaluated: 2019-10-09. Review status: criteria provided, single submitter. Criteria: Invitae Variant Classification Sherloc (09022015). Collection method: clinical testing. Allele origin: germline.

Color Diagnostics, LLC DBA Color Health
Classification: Likely benign for Familial thoracic aortic aneurysm and aortic dissection. Last evaluated: 2018-11-16. Review status: criteria provided, single submitter. Criteria: ACMG Guidelines, 2015. Collection method: clinical testing. Allele origin: germline.

NM_002474.3(MYH11):c.5406C>T (p.His1802=)

Genes: MYH11 (myosin heavy chain 11; minus strand), NDE1 (nudE neurodevelopment protein 1; plus strand). Cytogenetic location: 16p13.11.
Variant type: single nucleotide variant.
Coding change: c.5406C>T on transcript NM_002474.3 (MANE Select); coding-DNA position 5406, C replaced by T.
Protein change: p.His1802=; no amino-acid change (histidine 1802 retained).
Molecular consequence: synonymous variant. On other transcripts: intron variant (2).
Genome position (GRCh38, 1-based): chr16:15,717,238, G>A on the plus strand (C>T on the coding strand, the complement: MYH11 is on the minus strand). VCF-style: chr16-15717238-G-A. GRCh37 (hg19) VCF-style: chr16-15811095-G-A.
Other names: c.5427C>T, p.His1809= (NM_001040113.2, NM_001040114.2); c.5406C>T, p.His1802= (NM_022844.3); c.948-6953G>A (NM_001143979.2, NM_017668.3).
Identifiers: ClinVar variation 925144 (VCV000925144.14), dbSNP rs746211825, ClinGen allele CA7921282.